The following is an entry in ClinVar:

ClinVar aggregate classification (germline): Uncertain significance. Review status: criteria provided, multiple submitters, no conflicts (2 of 4 stars). 3 submissions from 3 submitters: Uncertain significance (2). 1 of the submissions does not count toward it. Last evaluated 2025-05-23.

Conditions:
DLC1-related disorder. Also called: DLC1-related condition.

Allele frequency attached by ClinVar (database versions not stated): gnomAD exomes 0.00013; ExAC 0.00029; 1000 Genomes Project 0.00040; TOPMed 0.00047; 1000 Genomes Project 30x 0.00047; ESP Exome Variant Server 0.00008; gnomAD 0.00020.
gnomAD v4.1: 227 of 1,613,680 alleles (0.014%); highest among the groups gnomAD compares: East Asian, 0.15%; no homozygotes.

Submissions (3):

Labcorp Genetics (formerly Invitae), Labcorp
Classification: Uncertain significance. Last evaluated: 2025-05-23. Review status: criteria provided, single submitter. Criteria: Invitae Variant Classification Sherloc (09022015). Collection method: clinical testing. Allele origin: germline.
Comment: This sequence change replaces arginine, which is basic and polar, with tryptophan, which is neutral and slightly polar, at codon 351 of the DLC1 protein (p.Arg351Trp). This variant is present in population databases (rs144283917, gnomAD 0.2%), and has an allele count higher than expected for a pathogenic variant. This variant has not been reported in the literature in individuals affected with DLC1-related conditions. ClinVar contains an entry for this variant (Variation ID: 3047698). An algorithm developed to predict the effect of missense changes on protein structure and function (PolyPhen-2) suggests that this variant is likely to be disruptive. In summary, the available evidence is currently insufficient to determine the role of this variant in disease. Therefore, it has been classified as a Variant of Uncertain Significance.

Ambry Genetics
Classification: Uncertain significance. Last evaluated: 2024-02-21. Review status: criteria provided, single submitter. Criteria: Ambry Variant Classification Scheme 2023. Collection method: clinical testing. Allele origin: germline.
Comment: Does not currently meet published gene-disease clinical validity criteria Based on insufficient or conflicting evidence, the clinical significance of this alteration remains unclear.

PreventionGenetics, part of Exact Sciences
Classification: Likely benign for DLC1-related condition. Last evaluated: 2022-07-21. Review status: no assertion criteria provided. Collection method: clinical testing. Allele origin: germline. Not counted in ClinVar's aggregate classification.
Comment: This variant is classified as likely benign based on ACMG/AMP sequence variant interpretation guidelines (Richards et al. 2015 PMID: 25741868, with internal and published modifications).

Literature cited by the submitters: PubMed 24587289 (cited by Ambry Genetics); PubMed 28106320 (cited by Ambry Genetics).

NM_182643.3(DLC1):c.1051C>T (p.Arg351Trp)

Gene: DLC1 (DLC1 Rho GTPase activating protein; minus strand). Cytogenetic location: 8p22.
Variant type: single nucleotide variant.
Coding change: c.1051C>T on transcript NM_182643.3 (MANE Select); coding-DNA position 1051, C replaced by T.
Protein change: p.Arg351Trp; replaces arginine 351 with tryptophan.
Molecular consequence: missense variant. On other transcripts: 5 prime UTR variant (1).
Genome position (GRCh38, 1-based): chr8:13,401,592, G>A on the plus strand (C>T on the coding strand, the complement: DLC1 is on the minus strand). VCF-style: chr8-13401592-G-A. GRCh37 (hg19) VCF-style: chr8-13259101-G-A.
Other names: c.1051C>T, p.Arg351Trp (NM_001348081.2, NM_001413124.1, NM_001413125.1 and 1 more transcripts); c.-401C>T (NM_001348082.2); short protein forms R351W.
Identifiers: ClinVar variation 3047698 (VCV003047698.5), dbSNP rs144283917, ClinGen allele CA4639293.